The following is an entry in ClinVar:

ClinVar aggregate classification (germline): Uncertain significance (1 of 4 stars; one submission).

Conditions:
Andersen Tawil syndrome (LQT7). Also called: ANDERSEN CARDIODYSRHYTHMIC PERIODIC PARALYSIS; LONG QT SYNDROME 7; PERIODIC PARALYSIS, POTASSIUM-SENSITIVE CARDIODYSRHYTHMIC TYPE; Andersen Syndrome; Potassium-sensitive periodic paralysis, ventricular ectopy, and dysmorphic features. Identifiers: Orphanet 37553, MedGen C1563715, MONDO:0008222, OMIM 170390.
Short QT syndrome type 3. Identifiers: Orphanet 51083, MedGen C1865018, MONDO:0012314, OMIM 609622.

Submission:

Labcorp Genetics (formerly Invitae), Labcorp
Classification: Uncertain significance for Short QT syndrome type 3; Andersen Tawil syndrome. Last evaluated: 2025-04-18. Review status: criteria provided, single submitter. Criteria: Invitae Variant Classification Sherloc (09022015). Collection method: clinical testing. Allele origin: germline.
Comment: This sequence change replaces proline, which is neutral and non-polar, with alanine, which is neutral and non-polar, at codon 266 of the KCNJ2 protein (p.Pro266Ala). This variant is not present in population databases (gnomAD no frequency). This variant has not been reported in the literature in individuals affected with KCNJ2-related conditions. Invitae Evidence Modeling of protein sequence and biophysical properties (such as structural, functional, and spatial information, amino acid conservation, physicochemical variation, residue mobility, and thermodynamic stability) indicates that this missense variant is expected to disrupt KCNJ2 protein function with a positive predictive value of 95%. In summary, the available evidence is currently insufficient to determine the role of this variant in disease. Therefore, it has been classified as a Variant of Uncertain Significance.

NM_000891.3(KCNJ2):c.796C>G (p.Pro266Ala)

Gene: KCNJ2 (potassium inwardly rectifying channel subfamily J member 2; plus strand). Cytogenetic location: 17q24.3.
Variant type: single nucleotide variant.
Coding change: c.796C>G on transcript NM_000891.3 (MANE Select); coding-DNA position 796, C replaced by G.
Protein change: p.Pro266Ala; replaces proline 266 with alanine.
Molecular consequence: missense variant.
Genome position (GRCh38, 1-based): chr17:70,175,835, C>G. VCF-style: chr17-70175835-C-G. GRCh37 (hg19) VCF-style: chr17-68171976-C-G.
Other names: short protein forms P266A.
Identifiers: ClinVar variation 4791310 (VCV004791310.1).
Genomic context (GRCh38, chr17:70,175,835, plus strand): 5'-GATCAAATAGACATCAATGTTGGGTTTGACAGTGGAATCGATCGTATATTTCTGGTGTCC[C>G]CAATCACTATAGTCCATGAAATAGATGAAGACAGTCCTTTATATGATTTGAGTAAACAGG-3'
Protein context (NP_000882.1, residues 256-276): SGIDRIFLVS[Pro266Ala]ITIVHEIDED